The following is an entry in ClinVar:

NM_181349.3(SMURF1):c.295C>T (p.Arg99Trp)

Gene: SMURF1 (SMAD specific E3 ubiquitin protein ligase 1; minus strand). Cytogenetic location: 7q22.1.
Variant type: single nucleotide variant.
Coding change: c.295C>T on transcript NM_181349.3 (MANE Select); coding-DNA position 295, C replaced by T.
Protein change: p.Arg99Trp; replaces arginine 99 with tryptophan.
Molecular consequence: missense variant.
Genome position (GRCh38, 1-based): chr7:99,057,460, G>A on the plus strand (C>T on the coding strand, the complement: SMURF1 is on the minus strand). VCF-style: chr7-99057460-G-A. GRCh37 (hg19) VCF-style: chr7-98655083-G-A.
Other names: c.295C>T, p.Arg99Trp (NM_001199847.2, NM_020429.3); short protein forms R99W.
Identifiers: ClinVar variation 4885017 (VCV004885017.2).

ClinVar aggregate classification (germline): Uncertain significance (1 of 4 stars; one submission).

gnomAD v4.1: 12 of 1,603,736 alleles (0.00075%); highest among the groups gnomAD compares: South Asian, 0.0023%; no homozygotes.

Submission:

Dasa
Classification: Uncertain significance. Last evaluated: 2026-01-29. Review status: criteria provided, single submitter. Criteria: DASA Assertion Criteria. Collection method: clinical testing. Allele origin: germline.
Comment: NM_181349.3(SMURF1):c.295C>T (p.Arg99Trp) is a missense variant that results in the substitution of arginine with tryptophan. This variant is rare in population databases. The currently available literature and clinical evidence are not sufficient to establish a definitive association between this variant and the reported condition. Therefore, this variant is classified as a variant of uncertain significance.